The following is an entry in ClinVar:

ClinVar aggregate classification (germline): Uncertain significance. Review status: criteria provided, single submitter (1 of 4 stars). 2 submissions from 2 submitters: Uncertain significance (1). 1 of the submissions does not count toward it. Last evaluated 2023-07-03.

Conditions:
Alport syndrome. Also called: Hemorrhagic familial nephritis; Hemorrhagic hereditary nephritis; Congenital hereditary hematuria. Identifiers: Orphanet 63, MedGen C1567741, MONDO:0018965.

Allele frequency attached by ClinVar (database versions not stated): gnomAD exomes below 0.00001 and 0.00001; gnomAD 0.00001; TOPMed 0.00002.
gnomAD v4.1: 9 of 1,613,998 alleles (0.00056%); highest among the groups gnomAD compares: Admixed American, 0.0017%; 1 homozygote.

Submissions (2):

Labcorp Genetics (formerly Invitae), Labcorp
Classification: Uncertain significance. Last evaluated: 2023-07-03. Review status: criteria provided, single submitter. Criteria: Invitae Variant Classification Sherloc (09022015). Collection method: clinical testing. Allele origin: germline.
Comment: An algorithm developed to predict the effect of missense changes on protein structure and function (PolyPhen-2) suggests that this variant is likely to be disruptive. ClinVar contains an entry for this variant (Variation ID: 846283). This missense change has been observed in individual(s) with autosomal dominant Alport syndrome (PMID: 29098738). This variant is present in population databases (no rsID available, gnomAD 0.0009%). This sequence change replaces proline, which is neutral and non-polar, with serine, which is neutral and polar, at codon 198 of the COL4A4 protein (p.Pro198Ser). In summary, the available evidence is currently insufficient to determine the role of this variant in disease. Therefore, it has been classified as a Variant of Uncertain Significance.

Natera, Inc.
Classification: Uncertain significance for Alport syndrome. Last evaluated: 2020-09-16. Review status: no assertion criteria provided. Collection method: clinical testing. Allele origin: germline. Not counted in ClinVar's aggregate classification.

Literature cited by the submitters: PubMed 29098738 (cited by Labcorp Genetics (formerly Invitae), Labcorp).

NM_000092.5(COL4A4):c.592C>T (p.Pro198Ser)

Gene: COL4A4 (collagen type IV alpha 4 chain; minus strand). Cytogenetic location: 2q36.3.
Variant type: single nucleotide variant.
Coding change: c.592C>T on transcript NM_000092.5 (MANE Select); coding-DNA position 592, C replaced by T.
Protein change: p.Pro198Ser; replaces proline 198 with serine.
Molecular consequence: missense variant.
Genome position (GRCh38, 1-based): chr2:227,111,680, G>A on the plus strand (C>T on the coding strand, the complement: COL4A4 is on the minus strand). VCF-style: chr2-227111680-G-A. GRCh37 (hg19) VCF-style: chr2-227976396-G-A.
Other names: short protein forms P198S.
Identifiers: ClinVar variation 846283 (VCV000846283.11), dbSNP rs1039244540, ClinGen allele CA66570689.